The following is an entry in ClinVar:

NM_022089.4(ATP13A2):c.1017G>C (p.Met339Ile)

Gene: ATP13A2 (ATPase cation transporting 13A2; minus strand). Cytogenetic location: 1p36.13.
Variant type: single nucleotide variant.
Coding change: c.1017G>C on transcript NM_022089.4 (MANE Select); coding-DNA position 1017, G replaced by C.
Protein change: p.Met339Ile; replaces methionine 339 with isoleucine.
Molecular consequence: missense variant.
Genome position (GRCh38, 1-based): chr1:17,000,033, C>G on the plus strand (G>C on the coding strand, the complement: ATP13A2 is on the minus strand). VCF-style: chr1-17000033-C-G. GRCh37 (hg19) VCF-style: chr1-17326528-C-G.
Other names: c.1017G>C (NM_022089.2); c.1002G>C, p.Met334Ile (NM_001141973.3, NM_001141974.3); short protein forms M334I, M339I.
Identifiers: ClinVar variation 658891 (VCV000658891.4), dbSNP rs1345269003, ClinGen allele CA338256523.
Genomic context (GRCh38, chr1:17,000,033, plus strand): 5'-GGAGGAAGGAAGCTGCAGGCCAGGGGCTGGGGGCTCACCTGTCAGAGAGCTCTCATTCAC[C>G]ATGCACTCGCCGGCCACCAGGGCGGCATCACAGGGCATCAGCCCACCCTCCTGGGGCAGC-3'
Protein context (NP_071372.1, residues 329-349): CDAALVAGEC[Met339Ile]VNESSLTGES

ClinVar aggregate classification (germline): Uncertain significance. Review status: criteria provided, multiple submitters, no conflicts (2 of 4 stars). 2 submissions from 2 submitters: Uncertain significance (2). Last evaluated 2025-08-01.

Conditions:
Autosomal recessive spastic paraplegia type 78. Identifiers: Orphanet 513436, MedGen C5567893, MONDO:0014975, OMIM 617225.
Kufor-Rakeb syndrome (KRS). Also called: PARKINSON DISEASE 9, AUTOSOMAL RECESSIVE, JUVENILE-ONSET. Identifiers: Orphanet 306674, Orphanet 314632, MedGen C1847640, MONDO:0011706, OMIM 606693.

Allele frequency attached by ClinVar (database versions not stated): gnomAD exomes below 0.00001 and 0.00001.
gnomAD v4.1: 2 of 1,611,654 alleles (0.00012%); highest among the groups gnomAD compares: Admixed American, 0.0033%; no homozygotes.

Submissions (2):

GeneDx
Classification: Uncertain significance. Last evaluated: 2025-08-01. Review status: criteria provided, single submitter. Criteria: GeneDx Variant Classification Process June 2021. Collection method: clinical testing. Allele origin: germline. Affected: yes.
Comment: Not observed at significant frequency in large population cohorts (gnomAD); In silico analysis suggests that this missense variant does not alter protein structure/function; Has not been previously published as pathogenic or benign to our knowledge

Labcorp Genetics (formerly Invitae), Labcorp
Classification: Uncertain significance for Kufor-Rakeb syndrome; Autosomal recessive spastic paraplegia type 78. Last evaluated: 2021-08-20. Review status: criteria provided, single submitter. Criteria: Invitae Variant Classification Sherloc (09022015). Collection method: clinical testing. Allele origin: germline.
Comment: This sequence change replaces methionine with isoleucine at codon 339 of the ATP13A2 protein (p.Met339Ile). The methionine residue is weakly conserved and there is a small physicochemical difference between methionine and isoleucine. This variant is not present in population databases (ExAC no frequency). This variant has not been reported in the literature in individuals affected with ATP13A2-related conditions. Algorithms developed to predict the effect of missense changes on protein structure and function (SIFT, PolyPhen-2, Align-GVGD) all suggest that this variant is likely to be tolerated. In summary, the available evidence is currently insufficient to determine the role of this variant in disease. Therefore, it has been classified as a Variant of Uncertain Significance.